The following is an entry in ClinVar:

ClinVar aggregate classification (germline): Likely benign (0 of 4 stars; one submission).

Conditions:
KDF1-related disorder. Also called: KDF1-related condition.

Allele frequency attached by ClinVar (database versions not stated): ExAC 0.00004; TOPMed 0.00006; ESP Exome Variant Server 0.00008; gnomAD exomes 0.00018.

Submission:

PreventionGenetics, part of Exact Sciences
Classification: Likely benign for KDF1-related condition. Last evaluated: 2019-08-29. Review status: no assertion criteria provided. Collection method: clinical testing. Allele origin: germline.
Comment: This variant is classified as likely benign based on ACMG/AMP sequence variant interpretation guidelines (Richards et al. 2015 PMID: 25741868, with internal and published modifications).

NM_152365.3(KDF1):c.897C>T (p.Arg299=)

Gene: KDF1 (keratinocyte differentiation factor 1; minus strand). Cytogenetic location: 1p36.11.
Variant type: single nucleotide variant.
Coding change: c.897C>T on transcript NM_152365.3 (MANE Select); coding-DNA position 897, C replaced by T.
Protein change: p.Arg299=; no amino-acid change (arginine 299 retained).
Molecular consequence: synonymous variant.
Genome position (GRCh38, 1-based): chr1:26,951,484, G>A on the plus strand (C>T on the coding strand, the complement: KDF1 is on the minus strand). VCF-style: chr1-26951484-G-A. GRCh37 (hg19) VCF-style: chr1-27277975-G-A.
Identifiers: ClinVar variation 3052313 (VCV003052313.2), dbSNP rs142079202, ClinGen allele CA710222.